The following is an entry in ClinVar:

ClinVar aggregate classification (germline): Uncertain significance (1 of 4 stars; one submission).

Allele frequency attached by ClinVar (database versions not stated): gnomAD exomes below 0.00001; gnomAD 0.00001.
gnomAD v4.1: 5 of 1,613,988 alleles (0.00031%); highest among the groups gnomAD compares: East Asian, 0.0045%; no homozygotes.

Submission:

Labcorp Genetics (formerly Invitae), Labcorp
Classification: Uncertain significance. Last evaluated: 2022-04-30. Review status: criteria provided, single submitter. Criteria: Invitae Variant Classification Sherloc (09022015). Collection method: clinical testing. Allele origin: germline.
Comment: This sequence change replaces aspartic acid, which is acidic and polar, with asparagine, which is neutral and polar, at codon 511 of the MCM4 protein (p.Asp511Asn). This variant is present in population databases (no rsID available, gnomAD 0.006%). This variant has not been reported in the literature in individuals affected with MCM4-related conditions. Algorithms developed to predict the effect of missense changes on protein structure and function are either unavailable or do not agree on the potential impact of this missense change (SIFT: "Tolerated"; PolyPhen-2: "Probably Damaging"; Align-GVGD: "Class C0"). In summary, the available evidence is currently insufficient to determine the role of this variant in disease. Therefore, it has been classified as a Variant of Uncertain Significance.

NM_182746.3(MCM4):c.1531G>A (p.Asp511Asn)

Gene: MCM4 (minichromosome maintenance complex component 4; plus strand). Cytogenetic location: 8q11.21.
Variant type: single nucleotide variant.
Coding change: c.1531G>A on transcript NM_182746.3 (MANE Select); coding-DNA position 1531, G replaced by A.
Protein change: p.Asp511Asn; replaces aspartic acid 511 with asparagine.
Molecular consequence: missense variant.
Genome position (GRCh38, 1-based): chr8:47,970,607, G>A. VCF-style: chr8-47970607-G-A. GRCh37 (hg19) VCF-style: chr8-48883167-G-A.
Other names: c.1531G>A, p.Asp511Asn (NM_005914.4); short protein forms D511N.
Identifiers: ClinVar variation 2114362 (VCV002114362.1), dbSNP rs1474445101, ClinGen allele CA371152205.